The following is an entry in ClinVar:

NM_003482.4(KMT2D):c.8765G>C (p.Arg2922Pro)

Gene: KMT2D (lysine methyltransferase 2D; minus strand). Cytogenetic location: 12q13.12.
Variant type: single nucleotide variant.
Coding change: c.8765G>C on transcript NM_003482.4 (MANE Select); coding-DNA position 8765, G replaced by C.
Protein change: p.Arg2922Pro; replaces arginine 2922 with proline.
Molecular consequence: missense variant.
Genome position (GRCh38, 1-based): chr12:49,038,591, C>G on the plus strand (G>C on the coding strand, the complement: KMT2D is on the minus strand). VCF-style: chr12-49038591-C-G. GRCh37 (hg19) VCF-style: chr12-49432374-C-G.
Other names: short protein forms R2922P.
Identifiers: ClinVar variation 1034001 (VCV001034001.1), dbSNP rs757791539, ClinGen allele CA384740934.

ClinVar aggregate classification (germline): Uncertain significance (1 of 4 stars; one submission).

Conditions:
Kabuki syndrome 1 (KABUK1). Also called: KMT2D-Related Kabuki Syndrome. Identifiers: Orphanet 2322, MedGen CN030661, MONDO:0007843, OMIM 147920.

Submission:

Baylor Genetics
Classification: Uncertain significance for Kabuki syndrome 1. Last evaluated: 2018-05-11. Review status: criteria provided, single submitter. Criteria: ACMG Guidelines, 2015. Collection method: clinical testing. Allele origin: unknown. Affected: yes.
Comment: This variant was determined to be of uncertain significance according to ACMG Guidelines, 2015 [PMID:25741868].